The following is an entry in ClinVar:

ClinVar aggregate classification (germline): Uncertain significance (1 of 4 stars; one submission).

Allele frequency attached by ClinVar (database versions not stated): gnomAD 0.00005; ESP Exome Variant Server 0.00008.
gnomAD v4.1: 12 of 1,613,904 alleles (0.00074%); highest among the groups gnomAD compares: African/African-American, 0.013%; no homozygotes.

Submission:

Labcorp Genetics (formerly Invitae), Labcorp
Classification: Uncertain significance. Last evaluated: 2023-04-06. Review status: criteria provided, single submitter. Criteria: Invitae Variant Classification Sherloc (09022015). Collection method: clinical testing. Allele origin: germline.
Comment: This sequence change replaces valine, which is neutral and non-polar, with isoleucine, which is neutral and non-polar, at codon 895 of the TET2 protein (p.Val895Ile). This variant is present in population databases (rs368719525, gnomAD 0.02%). This variant has not been reported in the literature in individuals affected with TET2-related conditions. An algorithm developed to predict the effect of missense changes on protein structure and function (PolyPhen-2) suggests that this variant is likely to be tolerated. In summary, the available evidence is currently insufficient to determine the role of this variant in disease. Therefore, it has been classified as a Variant of Uncertain Significance.

NM_001127208.3(TET2):c.2683G>A (p.Val895Ile)

Genes: TET2 (tet methylcytosine dioxygenase 2; plus strand), TET2-AS1 (TET2 antisense RNA 1; minus strand). Cytogenetic location: 4q24.
Variant type: single nucleotide variant.
Coding change: c.2683G>A on transcript NM_001127208.3 (MANE Select); coding-DNA position 2683, G replaced by A.
Protein change: p.Val895Ile; replaces valine 895 with isoleucine.
Molecular consequence: missense variant.
Genome position (GRCh38, 1-based): chr4:105,236,625, G>A. VCF-style: chr4-105236625-G-A. GRCh37 (hg19) VCF-style: chr4-106157782-G-A.
Other names: c.2683G>A, p.Val895Ile (NM_017628.4); short protein forms V895I.
Identifiers: ClinVar variation 2904964 (VCV002904964.3), dbSNP rs368719525, ClinGen allele CA3031926.